The following is an entry in ClinVar:

ClinVar aggregate classification (germline): Pathogenic (1 of 4 stars; one submission).

Conditions:
Cystic fibrosis (CF). Also called: MUCOVISCIDOSIS. Identifiers: Orphanet 586, MedGen C0010674, MONDO:0009061, OMIM 219700. Disease mechanism: loss of function.

Submission:

Labcorp Genetics (formerly Invitae), Labcorp
Classification: Pathogenic for Cystic fibrosis. Last evaluated: 2019-08-06. Review status: criteria provided, single submitter. Criteria: Invitae Variant Classification Sherloc (09022015). Collection method: clinical testing. Allele origin: germline.
Comment: This variant is an in-frame deletion of the genomic region encompassing exons 12-21 of the CFTR gene. It preserves the integrity of the reading frame. This variant has not been reported in the literature in individuals with CFTR-related conditions. Sub-genic deletion of 19-21 has been determined to be pathogenic (PMID: 15025720, 16362824, 28603918). Therefore, deletions that fully encompass that region are also expected to be pathogenic. For these reasons, this variant has been classified as Pathogenic.

Literature cited by the submitters: PubMed 16362824; PubMed 15025720; PubMed 28603918.

NC_000007.14:g.(?_117587720)_(117614723_?)del

Gene: CFTR (CF transmembrane conductance regulator; plus strand). Cytogenetic location: 7q31.2.
Variant type: Deletion.
Identifiers: ClinVar variation 832990 (VCV000832990.1).